The following is an entry in ClinVar:

NM_005219.5(DIAPH1):c.3486G>C (p.Met1162Ile)

Gene: DIAPH1 (diaphanous related formin 1; minus strand). Cytogenetic location: 5q31.3.
Variant type: single nucleotide variant.
Coding change: c.3486G>C on transcript NM_005219.5 (MANE Select); coding-DNA position 3486, G replaced by C.
Protein change: p.Met1162Ile; replaces methionine 1162 with isoleucine.
Molecular consequence: missense variant.
Genome position (GRCh38, 1-based): chr5:141,526,126, C>G on the plus strand (G>C on the coding strand, the complement: DIAPH1 is on the minus strand). VCF-style: chr5-141526126-C-G. GRCh37 (hg19) VCF-style: chr5-140905693-C-G.
Other names: c.3459G>C, p.Met1153Ile (NM_001079812.3); c.3486G>C, p.Met1162Ile (NM_001314007.2); short protein forms M1162I, M1153I.
Identifiers: ClinVar variation 949155 (VCV000949155.10), dbSNP rs747116749, ClinGen allele CA128423866.
Genomic context (GRCh38, chr5:141,526,126, plus strand): 5'-CTTCTGCTGCTTCTCTAGCCGCTCCTTCTCTGCCTTCTCCTTGGCTAGTTTTGCTCGCCT[C>G]ATCTTTTCTTCTGTCTCCCGCCGCTTCTGGTTCTCCTTGACTGCTTGCTGGGGCAGGGAA-3'
Protein context (NP_005210.3, residues 1152-1172): NQKRRETEEK[Met1162Ile]RRAKLAKEKA

ClinVar aggregate classification (germline): Uncertain significance (1 of 4 stars; one submission).

Conditions:
Progressive microcephaly-seizures-cortical blindness-developmental delay syndrome. Also called: Seizures, cortical blindness, and microcephaly syndrome. Identifiers: Orphanet 477814, MedGen C5567650, MONDO:0014714, OMIM 616632.
Autosomal dominant nonsyndromic hearing loss 1. Also called: DEAFNESS, AUTOSOMAL DOMINANT 1, WITH OR WITHOUT THROMBOCYTOPENIA; KONIGSMARK SYNDROME. Identifiers: Orphanet 90635, MedGen C1852282, MONDO:0007424, OMIM 124900.

Submission:

Labcorp Genetics (formerly Invitae), Labcorp
Classification: Uncertain significance for Progressive microcephaly-seizures-cortical blindness-developmental delay syndrome; Autosomal dominant nonsyndromic hearing loss 1. Last evaluated: 2023-07-13. Review status: criteria provided, single submitter. Criteria: Invitae Variant Classification Sherloc (09022015). Collection method: clinical testing. Allele origin: germline.
Comment: In summary, the available evidence is currently insufficient to determine the role of this variant in disease. Therefore, it has been classified as a Variant of Uncertain Significance. An algorithm developed to predict the effect of missense changes on protein structure and function (PolyPhen-2) suggests that this variant is likely to be tolerated. ClinVar contains an entry for this variant (Variation ID: 949155). This variant has not been reported in the literature in individuals affected with DIAPH1-related conditions. This variant is present in population databases (rs747116749, gnomAD 0.0009%). This sequence change replaces methionine, which is neutral and non-polar, with isoleucine, which is neutral and non-polar, at codon 1162 of the DIAPH1 protein (p.Met1162Ile).